The following is an entry in ClinVar:

NM_001163435.3(TBCK):c.1330C>A (p.Leu444Ile)

Gene: TBCK (TBC1 domain containing kinase; minus strand). Cytogenetic location: 4q24.
Variant type: single nucleotide variant.
Coding change: c.1330C>A on transcript NM_001163435.3 (MANE Select); coding-DNA position 1330, C replaced by A.
Protein change: p.Leu444Ile; replaces leucine 444 with isoleucine.
Molecular consequence: missense variant.
Genome position (GRCh38, 1-based): chr4:106,236,410, G>T on the plus strand (C>A on the coding strand, the complement: TBCK is on the minus strand). VCF-style: chr4-106236410-G-T. GRCh37 (hg19) VCF-style: chr4-107157567-G-T.
Other names: c.1330C>A, p.Leu444Ile (NM_001163436.4); c.1213C>A, p.Leu405Ile (NM_001163437.3); c.814C>A, p.Leu272Ile (NM_001290768.2); c.1141C>A, p.Leu381Ile (NM_033115.5); short protein forms L272I, L444I, L405I, L381I.
Identifiers: ClinVar variation 1470240 (VCV001470240.8), dbSNP rs1759464312, ClinGen allele CA357823153.

ClinVar aggregate classification (germline): Uncertain significance (1 of 4 stars; one submission).

Submission:

Labcorp Genetics (formerly Invitae), Labcorp
Classification: Uncertain significance. Last evaluated: 2024-10-16. Review status: criteria provided, single submitter. Criteria: Invitae Variant Classification Sherloc (09022015). Collection method: clinical testing. Allele origin: germline.
Comment: This sequence change replaces leucine, which is neutral and non-polar, with isoleucine, which is neutral and non-polar, at codon 444 of the TBCK protein (p.Leu444Ile). This variant is not present in population databases (gnomAD no frequency). This variant has not been reported in the literature in individuals affected with TBCK-related conditions. ClinVar contains an entry for this variant (Variation ID: 1470240). Invitae Evidence Modeling of protein sequence and biophysical properties (such as structural, functional, and spatial information, amino acid conservation, physicochemical variation, residue mobility, and thermodynamic stability) indicates that this missense variant is not expected to disrupt TBCK protein function with a negative predictive value of 80%. In summary, the available evidence is currently insufficient to determine the role of this variant in disease. Therefore, it has been classified as a Variant of Uncertain Significance.